The following is an entry in ClinVar:

NM_000059.4(BRCA2):c.-59_-57del

Genes: BRCA2 (BRCA2 DNA repair associated; plus strand), LOC106721785 (BRCA2 promoter/silencer region; plus strand). Cytogenetic location: 13q13.1.
Variant type: Deletion.
Coding change: c.-59_-57del on transcript NM_000059.4 (MANE Select); 59 bases upstream of the start codon through 57 bases upstream of the start codon, 3 bases deleted (GAA; older notation c.-59_-57delGAA).
Molecular consequence: 5 prime UTR variant.
Genome position (GRCh38, 1-based): chr13:32,315,648-32,315,650, GAA deleted; deleting any 3 consecutive bases within chr13:32,315,646-32,315,650 gives the same sequence; the c. name uses the placement nearest the transcript's 3' end. VCF-style (leftmost placement, unchanged base first): chr13-32315645-AAAG-A. GRCh37 (hg19) VCF-style: chr13-32889782-AAAG-A.
Identifiers: ClinVar variation 264878 (VCV000264878.21), dbSNP rs545321666, ClinGen allele CA10588062.

ClinVar aggregate classification (germline): Benign. Review status: reviewed by expert panel (3 of 4 stars). 4 submissions from 4 submitters: Benign (1). 3 of the submissions do not count toward it. Last evaluated 2016-09-28.

Conditions:
Hereditary breast ovarian cancer syndrome. Also called: Breast and ovarian cancer; Hereditary breast and ovarian cancer; Hereditary breast and ovarian cancer syndrome; Hereditary breast and ovarian cancer syndrome (HBOC); BRCA1- and BRCA2-Associated Hereditary Breast and Ovarian Cancer; Hereditary breast and/or ovarian cancer syndrome. Identifiers: Orphanet 145, MedGen C0677776, MeSH D061325, MONDO:0003582. Disease mechanism: loss of function.
Breast-ovarian cancer, familial, susceptibility to, 2 (BROVCA2). Also called: BRCA2 Hereditary Breast and Ovarian Cancer. Identifiers: Orphanet 145, MedGen C2675520, MONDO:0012933, OMIM 612555. Disease mechanism: loss of function.

Submissions (4):

Evidence-based Network for the Interpretation of Germline Mutant Alleles (ENIGMA)
Classification: Benign for Breast-ovarian cancer, familial, susceptibility to, 2. Last evaluated: 2016-09-28. Review status: reviewed by expert panel. Criteria: ENIGMA BRCA1/2 Classification Criteria (2015). Collection method: curation. Allele origin: germline.
Comment: Class 1 not pathogenic based on frequency >1% in an outbred sampleset. Frequency 0.0307 (South Asian), derived from 1000 genomes (2013-05-02).

Labcorp Genetics (formerly Invitae), Labcorp
Classification: Benign for Hereditary breast ovarian cancer syndrome. Last evaluated: 2026-02-02. Review status: criteria provided, single submitter. Criteria: Invitae Variant Classification Sherloc (09022015). Collection method: clinical testing. Allele origin: germline. Not counted in ClinVar's aggregate classification.

Blueprint Genetics
Classification: Likely benign. Last evaluated: 2024-10-22. Review status: criteria provided, single submitter. Criteria: ACMG Guidelines, 2015. Collection method: clinical testing. Allele origin: germline. Not counted in ClinVar's aggregate classification.

Genetic Services Laboratory, University of Chicago
Classification: Uncertain significance. Last evaluated: 2018-10-31. Review status: criteria provided, single submitter. Criteria: ACMG Guidelines, 2015. Collection method: clinical testing. Allele origin: germline. Affected: no. Not counted in ClinVar's aggregate classification.